The following is an entry in ClinVar:

ClinVar aggregate classification (germline): Likely pathogenic (0 of 4 stars; one submission).

Conditions:
JAG1-related disorder. Also called: JAG1-related condition; JAG1-related disorders.

Submission:

PreventionGenetics, part of Exact Sciences
Classification: Likely pathogenic for JAG1-related condition. Last evaluated: 2024-05-03. Review status: no assertion criteria provided. Collection method: clinical testing. Allele origin: germline.
Comment: The JAG1 c.1A>C variant is predicted to disrupt the translation initiation site (Start loss). This variant disrupts the translation initiation codon (Met1). To our knowledge, this variant has not been reported in the literature or in a large population database, indicating this variant is rare. An alternative variant predicted to result in start loss, described as c.3_4delGCinsTT, has been reported to occur de novo in a patient with Alagille syndrome (Colliton et al. 2001. PubMed ID: 11180599). Additionally, missense and truncating variants within exon 1, as well as deletions of exon 1, have been reported as pathogenic in patients with JAG1-related disease (Gilbert. 2019. PubMed ID: 31343788; Crosnier. 1999. PubMed ID: 10220506; Guegan. 2012. PubMed ID: 21752016). We classify this variant as likely pathogenic.

NM_000214.3(JAG1):c.1A>C (p.Met1Leu)

Gene: JAG1 (jagged canonical Notch ligand 1; minus strand). Cytogenetic location: 20p12.2.
Variant type: single nucleotide variant.
Coding change: c.1A>C on transcript NM_000214.3 (MANE Select); coding-DNA position 1, A replaced by C.
Protein change: p.Met1Leu; changes the start codon (methionine 1).
Molecular consequence: missense variant, initiator codon variant.
Genome position (GRCh38, 1-based): chr20:10,673,530, T>G on the plus strand (A>C on the coding strand, the complement: JAG1 is on the minus strand). VCF-style: chr20-10673530-T-G. GRCh37 (hg19) VCF-style: chr20-10654178-T-G.
Other names: short protein forms M1L.
Identifiers: ClinVar variation 3356411 (VCV003356411.1).